The following is an entry in ClinVar:

NM_002838.5(PTPRC):c.281G>A (p.Ser94Asn)

Gene: PTPRC (protein tyrosine phosphatase receptor type C; plus strand). Cytogenetic location: 1q31.3.
Variant type: single nucleotide variant.
Coding change: c.281G>A on transcript NM_002838.5 (MANE Select); coding-DNA position 281, G replaced by A.
Protein change: p.Ser94Asn; replaces serine 94 with asparagine.
Molecular consequence: missense variant. On other transcripts: intron variant (1).
Genome position (GRCh38, 1-based): chr1:198,696,892, G>A. VCF-style: chr1-198696892-G-A. GRCh37 (hg19) VCF-style: chr1-198666021-G-A.
Other names: c.100+4519G>A (NM_080921.4); short protein forms S94N.
Identifiers: ClinVar variation 2157444 (VCV002157444.1), dbSNP rs759505457, ClinGen allele CA1314446.

ClinVar aggregate classification (germline): Uncertain significance (1 of 4 stars; one submission).

Conditions:
Immunodeficiency 104. Also called: Severe Combined Immune Deficiency, Autosomal Recessive, TCell -Negative, B Cell-Positive, NK Cell-Positive, IL7R-Related; Severe combined immunodeficiency, autosomal recessive, T cell-negative, B cell-positive, NK cell-positive; SCID, AUTOSOMAL RECESSIVE, T CELL-NEGATIVE, B CELL-POSITIVE, NK CELL-POSITIVE; IMMUNODEFICIENCY 104, SEVERE COMBINED. Identifiers: MedGen C5676890, MONDO:0012163, OMIM 608971.

Allele frequency attached by ClinVar (database versions not stated): gnomAD exomes below 0.00001; ExAC 0.00001.
gnomAD v4.1: 5 of 1,613,626 alleles (0.00031%); highest among the groups gnomAD compares: Admixed American, 0.0067%; no homozygotes.

Submission:

Labcorp Genetics (formerly Invitae), Labcorp
Classification: Uncertain significance for Immunodeficiency 104. Last evaluated: 2022-03-19. Review status: criteria provided, single submitter. Criteria: Invitae Variant Classification Sherloc (09022015). Collection method: clinical testing. Allele origin: germline.
Comment: This sequence change replaces serine, which is neutral and polar, with asparagine, which is neutral and polar, at codon 94 of the PTPRC protein (p.Ser94Asn). This variant is present in population databases (rs759505457, gnomAD 0.0009%). This variant has not been reported in the literature in individuals affected with PTPRC-related conditions. Algorithms developed to predict the effect of missense changes on protein structure and function output the following: SIFT: "Tolerated"; PolyPhen-2: "Benign"; Align-GVGD: "Class C0". The asparagine amino acid residue is found in multiple mammalian species, which suggests that this missense change does not adversely affect protein function. In summary, the available evidence is currently insufficient to determine the role of this variant in disease. Therefore, it has been classified as a Variant of Uncertain Significance.